The following is an entry in ClinVar:

ClinVar aggregate classification (germline): Uncertain significance (1 of 4 stars; one submission).

Conditions:
Early-infantile DEE. Also called: Ohtahara syndrome; Early infantile epileptic encephalopathy; Early infantile epileptic encephalopathy with suppression bursts. Identifiers: Orphanet 1934, MedGen C0393706, MONDO:0800491.

Allele frequency attached by ClinVar (database versions not stated): ExAC 0.00001; gnomAD exomes 0.00001; TOPMed 0.00001.
gnomAD v4.1: 5 of 1,598,464 alleles (0.00031%); highest among the groups gnomAD compares: Non-Finnish European, 0.00043%; no homozygotes.

Submission:

Labcorp Genetics (formerly Invitae), Labcorp
Classification: Uncertain significance for Early-infantile DEE. Last evaluated: 2023-07-30. Review status: criteria provided, single submitter. Criteria: Invitae Variant Classification Sherloc (09022015). Collection method: clinical testing. Allele origin: germline.
Comment: In summary, the available evidence is currently insufficient to determine the role of this variant in disease. Therefore, it has been classified as a Variant of Uncertain Significance. Advanced modeling of protein sequence and biophysical properties (such as structural, functional, and spatial information, amino acid conservation, physicochemical variation, residue mobility, and thermodynamic stability) performed at Invitae indicates that this missense variant is not expected to disrupt KCNH5 protein function. This variant has not been reported in the literature in individuals affected with KCNH5-related conditions. This variant is present in population databases (rs755570943, gnomAD 0.002%). This sequence change replaces serine, which is neutral and polar, with isoleucine, which is neutral and non-polar, at codon 680 of the KCNH5 protein (p.Ser680Ile).

NM_139318.5(KCNH5):c.2039G>T (p.Ser680Ile)

Gene: KCNH5 (potassium voltage-gated channel subfamily H member 5; minus strand). Cytogenetic location: 14q23.2.
Variant type: single nucleotide variant.
Coding change: c.2039G>T on transcript NM_139318.5 (MANE Select); coding-DNA position 2039, G replaced by T.
Protein change: p.Ser680Ile; replaces serine 680 with isoleucine.
Molecular consequence: missense variant. On other transcripts: 3 prime UTR variant (1).
Genome position (GRCh38, 1-based): chr14:62,708,436, C>A on the plus strand (G>T on the coding strand, the complement: KCNH5 is on the minus strand). VCF-style: chr14-62708436-C-A. GRCh37 (hg19) VCF-style: chr14-63175154-C-A.
Other names: c.*6G>T (NM_172375.3); short protein forms S680I.
Identifiers: ClinVar variation 2873362 (VCV002873362.3), dbSNP rs755570943, ClinGen allele CA7217330.
Genomic context (GRCh38, chr14:62,708,436, plus strand): 5'-ATGCTGAGGGTCACCTCATTCTTCTGCCGGAGGCGCTCCTCCTCCTCTTTCTTCACATCA[C>A]TGATCTTACGAAAGATGATCTGTGGAACGGGAGAGATAGTCACAGCCTGATTATAAAAGC-3'
Protein context (NP_647479.2, residues 670-690): LRKRIIFRKI[Ser680Ile]DVKKEEEERL